The following is an entry in ClinVar:

NM_007118.4(TRIO):c.2307G>A (p.Ser769=)

Gene: TRIO (trio Rho guanine nucleotide exchange factor; plus strand). Cytogenetic location: 5p15.2.
Variant type: single nucleotide variant.
Coding change: c.2307G>A on transcript NM_007118.4 (MANE Select); coding-DNA position 2307, G replaced by A.
Protein change: p.Ser769=; no amino-acid change (serine 769 retained).
Molecular consequence: synonymous variant. On other transcripts: non-coding transcript variant (1).
Genome position (GRCh38, 1-based): chr5:14,359,447, G>A. VCF-style: chr5-14359447-G-A. GRCh37 (hg19) VCF-style: chr5-14359556-G-A.
Identifiers: ClinVar variation 3388277 (VCV003388277.15).
Genomic context (GRCh38, chr5:14,359,447, plus strand): 5'-CCACAACAGCTCCATCAACCACATTGAGACGGTGCTGCAGCAGCTGGACGAGGCGCAGTC[G>A]CAGATGGAGGAGCTCTTCCAGGAGCGCAAGATCAAGCTGGAGCTCTTCCTGCAGCTGCGC-3'
Protein context (NP_009049.2, residues 759-779): TVLQQLDEAQ[Ser769=]QMEELFQERK

ClinVar aggregate classification (germline): Likely benign. Review status: criteria provided, multiple submitters, no conflicts (2 of 4 stars). 2 submissions from 2 submitters: Likely benign (2). Last evaluated 2024-11-01.

gnomAD v4.1: 158 of 1,614,280 alleles (0.0098%); highest among the groups gnomAD compares: East Asian, 0.12%; no homozygotes.

Submissions (2):

CeGaT Center for Human Genetics Tuebingen
Classification: Likely benign. Last evaluated: 2024-11-01. Review status: criteria provided, single submitter. Criteria: CeGaT Center For Human Genetics Tuebingen Variant Classification Criteria Version 2. Collection method: clinical testing. Allele origin: germline. Affected: yes. Observed: 1 variant allele.
Comment: TRIO: BP4, BP7

Blueprint Genetics
Classification: Likely benign. Last evaluated: 2024-06-07. Review status: criteria provided, single submitter. Criteria: ACMG Guidelines, 2015. Collection method: clinical testing. Allele origin: germline.